The following is an entry in ClinVar:

ClinVar aggregate classification (germline): Likely pathogenic. Review status: reviewed by expert panel (3 of 4 stars). 2 submissions from 2 submitters: Likely pathogenic (1). 1 of the submissions does not count toward it. Last evaluated 2023-03-27.

Conditions:
Very long chain acyl-CoA dehydrogenase deficiency (ACADVLD). Also called: Very Long-Chain Acyl-Coenzyme A Dehydrogenase Deficiency; VLCAD Deficiency. Identifiers: Orphanet 26793, MedGen C3887523, MONDO:0008723, OMIM 201475.

Submissions (2):

ClinGen ACADVL Variant Curation Expert Panel, ClinGen
Classification: Likely pathogenic for Very long chain acyl-CoA dehydrogenase deficiency. Last evaluated: 2023-03-27. Review status: reviewed by expert panel. Criteria: clingen acadvl acmg specifications v1. Collection method: curation. Allele origin: germline. Inheritance: Autosomal recessive inheritance.
Comment: The NM_000018.4(ACADVL);c.1294G>T(p.Glu432Ter) variant in ACADVL is a nonsense variant predicted to cause a premature stop codon in biologically-relevant-exon 13 leading to nonsense mediated decay in a gene in which loss-of-function is an established disease mechanism (PVS1; PMIDs 9973285, 11590124). This variant is absent from gnomAD v2.1.1 (PM2_Supporting). In summary, this variant meets the criteria to be classified as likely pathogenic for autosomal recessive very long chain acyl-CoA dehydrogenase (VLCAD) deficiency based on the ACMG/AMP criteria applied, as specified by the ClinGen ACADVL Variant Curation Expert Panel: PVS1, PM2_Supporting.

Labcorp Genetics (formerly Invitae), Labcorp
Classification: Pathogenic for Very long chain acyl-CoA dehydrogenase deficiency. Last evaluated: 2023-06-03. Review status: criteria provided, single submitter. Criteria: Invitae Variant Classification Sherloc (09022015). Collection method: clinical testing. Allele origin: germline. Not counted in ClinVar's aggregate classification.
Comment: For these reasons, this variant has been classified as Pathogenic. Algorithms developed to predict the effect of sequence changes on RNA splicing suggest that this variant may disrupt the consensus splice site. ClinVar contains an entry for this variant (Variation ID: 660424). This variant has not been reported in the literature in individuals affected with ACADVL-related conditions. This variant is not present in population databases (gnomAD no frequency). This sequence change creates a premature translational stop signal (p.Glu432*) in the ACADVL gene. It is expected to result in an absent or disrupted protein product. Loss-of-function variants in ACADVL are known to be pathogenic (PMID: 9973285, 11590124).

Literature cited by the submitters: PubMed 9973285 (cited by Labcorp Genetics (formerly Invitae), Labcorp); PubMed 11590124 (cited by Labcorp Genetics (formerly Invitae), Labcorp).

NM_000018.4(ACADVL):c.1294G>T (p.Glu432Ter)

Gene: ACADVL (acyl-CoA dehydrogenase very long chain; plus strand). Cytogenetic location: 17p13.1.
Variant type: single nucleotide variant.
Coding change: c.1294G>T on transcript NM_000018.4 (MANE Select); coding-DNA position 1294, G replaced by T.
Protein change: p.Glu432Ter; replaces glutamic acid 432 with a stop codon.
Molecular consequence: nonsense.
Genome position (GRCh38, 1-based): chr17:7,223,837, G>T. VCF-style: chr17-7223837-G-T. GRCh37 (hg19) VCF-style: chr17-7127156-G-T.
Other names: NM_000018.4(ACADVL):c.1294G>T; p.Glu432Ter; c.1228G>T, p.Glu410Ter (NM_001033859.3); c.1363G>T, p.Glu455Ter (NM_001270447.2); c.1066G>T, p.Glu356Ter (NM_001270448.2); short protein forms E356*, E455*, E410*, E432*.
Identifiers: ClinVar variation 660424 (VCV000660424.7), dbSNP rs1597534677, ClinGen allele CA397724799.